The following is an entry in ClinVar:

ClinVar aggregate classification (germline): Uncertain significance (1 of 4 stars; one submission).

Conditions:
Tuberous sclerosis 2 (TSC2). Identifiers: Orphanet 805, MedGen C1860707, MONDO:0013199, OMIM 613254.

Allele frequency attached by ClinVar (database versions not stated): gnomAD exomes below 0.00001.
gnomAD v4.1: 1 of 1,612,762 alleles (0.000062%); highest among the groups gnomAD compares: Non-Finnish European, 0.000085%; no homozygotes.

Submission:

Labcorp Genetics (formerly Invitae), Labcorp
Classification: Uncertain significance for Tuberous sclerosis 2. Last evaluated: 2023-03-02. Review status: criteria provided, single submitter. Criteria: Invitae Variant Classification Sherloc (09022015). Collection method: clinical testing. Allele origin: germline.
Comment: This sequence change replaces glutamine, which is neutral and polar, with histidine, which is basic and polar, at codon 1089 of the TSC2 protein (p.Gln1089His). This variant is not present in population databases (gnomAD no frequency). This variant has not been reported in the literature in individuals affected with TSC2-related conditions. Advanced modeling of protein sequence and biophysical properties (such as structural, functional, and spatial information, amino acid conservation, physicochemical variation, residue mobility, and thermodynamic stability) performed at Invitae indicates that this missense variant is not expected to disrupt TSC2 protein function. In summary, the available evidence is currently insufficient to determine the role of this variant in disease. Therefore, it has been classified as a Variant of Uncertain Significance.

NM_000548.5(TSC2):c.3267G>T (p.Gln1089His)

Gene: TSC2 (TSC complex subunit 2; plus strand). Cytogenetic location: 16p13.3.
Variant type: single nucleotide variant.
Coding change: c.3267G>T on transcript NM_000548.5 (MANE Select); coding-DNA position 3267, G replaced by T.
Protein change: p.Gln1089His; replaces glutamine 1089 with histidine.
Molecular consequence: missense variant. On other transcripts: non-coding transcript variant (5).
Genome position (GRCh38, 1-based): chr16:2,079,411, G>T. VCF-style: chr16-2079411-G-T. GRCh37 (hg19) VCF-style: chr16-2129412-G-T.
Other names: c.3135G>T, p.Gln1045His (NM_001077183.3, NM_001370404.1, NM_001406665.1); c.2538G>T, p.Gln846His (NM_001406686.1, NM_001406685.1); c.2535G>T, p.Gln845His (NM_001406687.1, NM_001406688.1, NM_001318831.2); c.1923G>T, p.Gln641His (NM_001406689.1); c.1794G>T, p.Gln598His (NM_001406690.1, NM_001406692.1, NM_001406693.1 and 1 more transcripts); c.1791G>T, p.Gln597His (NM_001406691.1, NM_001406695.1, NM_001406696.1 and 1 more transcripts); c.3267G>T, p.Gln1089His (NM_001114382.3); c.3027G>T, p.Gln1009His (NM_001318827.2); and 18 more; short protein forms Q1039H, Q1046H, Q1088H, Q641H, Q846H, Q888H, Q892H, Q1008H.
Identifiers: ClinVar variation 2989626 (VCV002989626.3), dbSNP rs1555510717, ClinGen allele CA394286230.